The following is an entry in ClinVar:

NM_016035.5(COQ4):c.81C>G (p.Leu27=)

Gene: COQ4 (coenzyme Q4; plus strand). Cytogenetic location: 9q34.11.
Variant type: single nucleotide variant.
Coding change: c.81C>G on transcript NM_016035.5 (MANE Select); coding-DNA position 81, C replaced by G.
Protein change: p.Leu27=; no amino-acid change (leucine 27 retained).
Molecular consequence: synonymous variant.
Genome position (GRCh38, 1-based): chr9:128,323,026, C>G. VCF-style: chr9-128323026-C-G. GRCh37 (hg19) VCF-style: chr9-131085305-C-G.
Other names: c.81C>G, p.Leu27= (NM_001305942.2).
Identifiers: ClinVar variation 786827 (VCV000786827.11), dbSNP rs756669810, ClinGen allele CA5260403.

ClinVar aggregate classification (germline): Likely benign. Review status: criteria provided, single submitter (1 of 4 stars). 2 submissions from 2 submitters: Likely benign (1). 1 of the submissions does not count toward it. Last evaluated 2025-10-27.

Conditions:
COQ4-related disorder. Also called: COQ4-related condition.
Neonatal encephalomyopathy-cardiomyopathy-respiratory distress syndrome. Also called: Coenzyme Q10 deficiency, primary, 7. Identifiers: Orphanet 457185, MedGen C5568562, MONDO:0014562, OMIM 616276.

Allele frequency attached by ClinVar (database versions not stated): gnomAD 0.00004 and 0.00005; gnomAD exomes 0.00004; TOPMed 0.00006; ExAC 0.00003.
gnomAD v4.1: 136 of 1,611,936 alleles (0.0084%); highest among the groups gnomAD compares: Non-Finnish European, 0.011%; no homozygotes.

Submissions (2):

Labcorp Genetics (formerly Invitae), Labcorp
Classification: Likely benign for Neonatal encephalomyopathy-cardiomyopathy-respiratory distress syndrome. Last evaluated: 2025-10-27. Review status: criteria provided, single submitter. Criteria: Invitae Variant Classification Sherloc (09022015). Collection method: clinical testing. Allele origin: germline.

PreventionGenetics, part of Exact Sciences
Classification: Likely benign for COQ4-related condition. Last evaluated: 2019-07-12. Review status: no assertion criteria provided. Collection method: clinical testing. Allele origin: germline. Not counted in ClinVar's aggregate classification.
Comment: This variant is classified as likely benign based on ACMG/AMP sequence variant interpretation guidelines (Richards et al. 2015 PMID: 25741868, with internal and published modifications).